The following is an entry in ClinVar:

NM_001206927.2(DNAH8):c.10042C>G (p.Gln3348Glu)

Genes: DNAH8 (dynein axonemal heavy chain 8; plus strand), DNAH8-AS1 (DNAH8 antisense RNA 1; minus strand). Cytogenetic location: 6p21.2.
Variant type: single nucleotide variant.
Coding change: c.10042C>G on transcript NM_001206927.2 (MANE Select); coding-DNA position 10042, C replaced by G.
Protein change: p.Gln3348Glu; replaces glutamine 3348 with glutamic acid.
Molecular consequence: missense variant.
Genome position (GRCh38, 1-based): chr6:38,915,279, C>G. VCF-style: chr6-38915279-C-G. GRCh37 (hg19) VCF-style: chr6-38883055-C-G.
Other names: c.9391C>G, p.Gln3131Glu (NM_001371.4); short protein forms Q3131E, Q3348E.
Identifiers: ClinVar variation 2165137 (VCV002165137.4), dbSNP rs1781220169, ClinGen allele CA364005949.

ClinVar aggregate classification (germline): Uncertain significance (1 of 4 stars; one submission).

Conditions:
Primary ciliary dyskinesia. Also called: Ciliary dyskinesia. Identifiers: Orphanet 244, MedGen C0008780, MONDO:0016575, HP:0012265.

gnomAD v4.1: 1 of 1,610,428 alleles (0.000062%); highest among the groups gnomAD compares: South Asian, 0.0011%; no homozygotes.

Submission:

Labcorp Genetics (formerly Invitae), Labcorp
Classification: Uncertain significance for Primary ciliary dyskinesia. Last evaluated: 2022-08-06. Review status: criteria provided, single submitter. Criteria: Invitae Variant Classification Sherloc (09022015). Collection method: clinical testing. Allele origin: germline.
Comment: This sequence change replaces glutamine, which is neutral and polar, with glutamic acid, which is acidic and polar, at codon 3348 of the DNAH8 protein (p.Gln3348Glu). In summary, the available evidence is currently insufficient to determine the role of this variant in disease. Therefore, it has been classified as a Variant of Uncertain Significance. Algorithms developed to predict the effect of missense changes on protein structure and function are either unavailable or do not agree on the potential impact of this missense change (SIFT: "Tolerated"; PolyPhen-2: "Not Available"; Align-GVGD: "Class C0"). This variant has not been reported in the literature in individuals affected with DNAH8-related conditions. This variant is not present in population databases (gnomAD no frequency).